The following is an entry in ClinVar:

ClinVar aggregate classification (germline): Pathogenic (1 of 4 stars; one submission).

gnomAD v4.1: 2 of 1,613,930 alleles (0.00012%); highest among the groups gnomAD compares: South Asian, 0.0011%; no homozygotes.

Submission:

Labcorp Genetics (formerly Invitae), Labcorp
Classification: Pathogenic. Last evaluated: 2023-02-03. Review status: criteria provided, single submitter. Criteria: Invitae Variant Classification Sherloc (09022015). Collection method: clinical testing. Allele origin: germline.
Comment: This sequence change creates a premature translational stop signal (p.Tyr239*) in the PHYH gene. It is expected to result in an absent or disrupted protein product. Loss-of-function variants in PHYH are known to be pathogenic (PMID: 9326940, 14974078). For these reasons, this variant has been classified as Pathogenic. This variant has not been reported in the literature in individuals affected with PHYH-related conditions. This variant is not present in population databases (gnomAD no frequency).

Literature cited by the submitters: PubMed 9326940; PubMed 14974078.

NM_006214.4(PHYH):c.717C>G (p.Tyr239Ter)

Gene: PHYH (phytanoyl-CoA 2-hydroxylase; minus strand). Cytogenetic location: 10p13.
Variant type: single nucleotide variant.
Coding change: c.717C>G on transcript NM_006214.4 (MANE Select); coding-DNA position 717, C replaced by G.
Protein change: p.Tyr239Ter; replaces tyrosine 239 with a stop codon.
Molecular consequence: nonsense.
Genome position (GRCh38, 1-based): chr10:13,283,801, G>C on the plus strand (C>G on the coding strand, the complement: PHYH is on the minus strand). VCF-style: chr10-13283801-G-C. GRCh37 (hg19) VCF-style: chr10-13325801-G-C.
Other names: c.417C>G, p.Tyr139Ter (NM_001037537.2, NM_001323080.2); c.723C>G, p.Tyr241Ter (NM_001323082.2); c.453C>G, p.Tyr151Ter (NM_001323083.2); c.423C>G, p.Tyr141Ter (NM_001323084.2); short protein forms Y141*, Y139*, Y239*, Y151*, Y241*.
Identifiers: ClinVar variation 2834074 (VCV002834074.3), dbSNP rs142720126, ClinGen allele CA376034364.